The following is an entry in ClinVar:

ClinVar aggregate classification (germline): Uncertain significance (1 of 4 stars; one submission).

Conditions:
Adenylosuccinate lyase deficiency (ADSLD). Also called: ADSL DEFICIENCY. Identifiers: Orphanet 46, MedGen C0268126, MONDO:0007068, OMIM 103050.

Submission:

Labcorp Genetics (formerly Invitae), Labcorp
Classification: Uncertain significance for Adenylosuccinate lyase deficiency. Last evaluated: 2022-11-01. Review status: criteria provided, single submitter. Criteria: Invitae Variant Classification Sherloc (09022015). Collection method: clinical testing. Allele origin: germline.
Comment: This variant occurs in a non-coding region of the ADSL gene. It does not change the encoded amino acid sequence of the ADSL protein. This variant is not present in population databases (gnomAD no frequency). This variant has not been reported in the literature in individuals affected with ADSL-related conditions. Experimental studies and prediction algorithms are not available or were not evaluated, and the functional significance of this variant is currently unknown. In summary, the available evidence is currently insufficient to determine the role of this variant in disease. Therefore, it has been classified as a Variant of Uncertain Significance.

NC_000022.11:g.40345636_40345639del

Gene: ADSL (adenylosuccinate lyase; plus strand). Cytogenetic location: 22q13.1.
Variant type: Deletion.
Genome position: GRCh38 VCF-style: chr22-40345633-ATTCT-A. GRCh37 (hg19) VCF-style: chr22-40741637-ATTCT-A.
Identifiers: ClinVar variation 1347913 (VCV001347913.6), dbSNP rs952409371, ClinGen allele CA324446309.
Genomic context (GRCh38, chr22:40,345,633, plus strand): 5'-TCAAAAAAAAAAAAAAGGGGGGGGGCCACTTGAGTGTTTCTATTTCTATTTATTTATTTA[ATTCT>A]TTTATTTTTTGGAGACGGAGTCTCGCTCTGTCGCCCAGGCTGGAGTGCAGTGGCGCGATC-3'